The following is an entry in ClinVar:

ClinVar aggregate classification (germline): Uncertain significance (1 of 4 stars; one submission).

Conditions:
Anauxetic dysplasia. Identifiers: Orphanet 93347, MedGen C1846796, MONDO:0011773.

gnomAD v4.1: 5 of 693,312 alleles (0.00072%); highest among the groups gnomAD compares: Non-Finnish European, 0.0013%; no homozygotes.

Submission:

Labcorp Genetics (formerly Invitae), Labcorp
Classification: Uncertain significance for Anauxetic dysplasia. Last evaluated: 2022-08-09. Review status: criteria provided, single submitter. Criteria: Invitae Variant Classification Sherloc (09022015). Collection method: clinical testing. Allele origin: germline.
Comment: This variant occurs in the RMRP gene, which encodes an RNA molecule that does not result in a protein product. This variant is present in population databases (no rsID available, gnomAD 0.002%). This variant has been observed in individual(s) with clincial features of cartilage-hair hypoplasia anauxetic dysplasia (Invitae). In at least one individual the data is consistent with being in trans (on the opposite chromosome) from a pathogenic variant. ClinVar contains an entry for this variant (Variation ID: 465203). This variant disrupts the n.181G nucleotide in the RMRP gene. Other variant(s) that disrupt this nucleotide have been determined to be pathogenic (PMID: 16254002, 16838329, 27862957). This suggests that this nucleotide is clinically significant, and that variants that disrupt this position are likely to be disease-causing. In summary, the available evidence is currently insufficient to determine the role of this variant in disease. Therefore, it has been classified as a Variant of Uncertain Significance.

Literature cited by the submitters: PubMed 16254002; PubMed 16838329; PubMed 27862957.

NC_000009.12:g.35657838C>G

Gene: RMRP (RNA component of mitochondrial RNA processing endoribonuclease; minus strand). Cytogenetic location: 9p13.3.
Variant type: single nucleotide variant.
Genome position: GRCh38 VCF-style: chr9-35657838-C-G. GRCh37 (hg19) VCF-style: chr9-35657835-C-G.
Identifiers: ClinVar variation 465203 (VCV000465203.6), dbSNP rs1004469515, ClinGen allele CA464450625.
Genomic context (GRCh38, chr9:35,657,838, plus strand): 5'-TGGTTGGTGCGCGGACACGCACTGCCTGCGTAACTAGAGGGAGCTGACGGATGACGCCCC[C>G]GCGCCACGCCGCTCAGCGGGATACGCTTCTTGGCGGACTTTGGAGTGGGAAGCGGGGAAT-3'